The following continues an entry in ClinVar:

NM_014239.4(EIF2B2):c.599G>T (p.Gly200Val)

Gene: EIF2B2. ClinVar aggregate classification (germline): Pathogenic/Likely pathogenic. Pathogenic (13); Likely pathogenic (4).

Submissions 12 to 19 of 19:

Victorian Clinical Genetics Services, Murdoch Childrens Research Institute
Classification: Pathogenic for Leukoencephalopathy with vanishing white matter 1. Last evaluated: 2021-05-06. Review status: criteria provided, single submitter. Criteria: ACMG Guidelines, 2015. Collection method: clinical testing. Allele origin: germline. Inheritance: Autosomal recessive inheritance. Affected: yes.
Comment: Based on the classification scheme VCGS_Germline_v1.3.4, this variant is classified as Pathogenic. Following criteria are met: 0102 - Loss of function is a known mechanism of disease in this gene and is associated with leukoencephalopathy with vanishing white matter (MIM#603896). (I) 0106 - This gene is associated with autosomal recessive disease. (I) 0200 - Variant is predicted to result in a missense amino acid change from glycine to valine. (I) 0251 - This variant is heterozygous. (I) 0304 - Variant is present in gnomAD <0.01 for a recessive condition (v2: 68 heterozygotes, 0 homozygotes). (SP) 0309 - An alternative amino acid change at the same position has been observed in gnomAD (v2: 2 heterozygotes, 0 homozygotes). (I) 0501 - Missense variant consistently predicted to be damaging by multiple in silico tools or highly conserved with a major amino acid change. (SP) 0600 - Variant is located in the annotated IF-2B domain (NCBI, DECIPHER). (I) 0801 - This variant has strong previous evidence of pathogenicity in unrelated individuals. It has been found in at least ten individuals with vanishing white matter and classified as pathogenic by diagnostic laboratories in Clinvar (PMID: 18263758, 22128017, 22430157, 27159321, 30266093). (I) Legend: (SP) - Supporting pathogenic, (I) - Information, (SB) - Supporting benign

Revvity Omics, Revvity
Classification: Pathogenic for Leukoencephalopathy with vanishing white matter 2. Last evaluated: 2020-04-23. Review status: criteria provided, single submitter. Criteria: ACMG Guidelines, 2015. Collection method: clinical testing. Allele origin: germline.

Baylor Genetics
Classification: Pathogenic for Leukoencephalopathy with vanishing white matter 1. Last evaluated: 2020-01-29. Review status: criteria provided, single submitter. Criteria: ACMG Guidelines, 2015. Collection method: clinical testing. Allele origin: unknown. Affected: yes.
Comment: This variant was determined to be pathogenic according to ACMG Guidelines, 2015 [PMID:25741868].

Laboratory for Molecular Medicine, Mass General Brigham Personalized Medicine
Classification: Likely pathogenic for Vanishing white matter disease. Last evaluated: 2019-12-04. Review status: criteria provided, single submitter. Criteria: LMM Criteria. Collection method: clinical testing. Allele origin: germline. Inheritance: Autosomal recessive inheritance. Observed: 2 variant alleles.
Comment: The p.Gly200Val variant in EIF2B2 has been reported in the compound heterozygous state in multiple individuals with leukoencephalopathy with vanishing white matter and segregated with disease in 2 affected individuals from 1 family (van der Knaap 2003, Ohlenbusch 2005, Maletkovic 2008, Ding 2012, van der Lei 2012, Vanderver 2016, Normand 2018). This variant has also been reported by other clinical laboratories in ClinVar (Variation ID 208575) and has been identified in 0.046% (59/129180) of European chromosomes by gnomAD. However, this frequency is low enough to be consistent with a recessive carrier frequency. In vitro functional studies suggest that the p.Gly200Val variant was incapable of binding to the other EIF2B subunits, supporting an impact on protein function (Liu 2011). Computational prediction tools and conservation analyses do not provide strong support for or against an impact to the protein. In summary, this variant meets criteria to be classified as likely pathogenic for autosomal recessive leukoencephalopathy with vanishing white matter. ACMG/AMP Criteria applied: PM3_Strong, PP1_Moderate, PM2_Supporting, PS3_Supporting.

Illumina Laboratory Services, Illumina
Classification: Likely pathogenic for Leukoencephalopathy with vanishing white matter 1. Last evaluated: 2017-04-27. Review status: criteria provided, single submitter. Criteria: ICSL Variant Classification Criteria 09 May 2019. Collection method: clinical testing. Allele origin: germline.
Comment: The EIF2B2 c.599G>T (p.Gly200Val) missense variant has been reported in five studies in which it is identified in a compound heterozygous state in at least seven patients with childhood ataxia with central nervous system hypomyelination/vanishing white matter, three of whom are related (van der Knaap et al. 2003; Maletkovic et al. 2008; van der Lei et al. 2012; Vanderver et al. 2016) and in one patient with unknown zygosity (Ohlenbusch et al. 2005). Control data are not available for this variant, which is reported at a frequency of 0.00058 in the European-American population of the Exome Sequencing Project. The Gly200 amino acid residue is highly conserved across species and corresponding domains of other EIF2B genes (van der Knaap et al. 2003). Functional studies in HEK293 cells demonstrated that the p.Gly200Val variant is incapable of forming complexes with the other eIF2B subunits (Liu et al. 2011). Based on the evidence, the p.Gly200Val variant is classified as pathogenic for childhood ataxia with central nervous system hypomyelination/vanishing white matter. This variant was observed by ICSL as part of a predisposition screen in an ostensibly healthy population.

Eurofins Ntd Llc (ga)
Classification: Likely pathogenic. Last evaluated: 2016-10-27. Review status: criteria provided, single submitter. Criteria: EGL Classification Definitions 2015. Collection method: clinical testing. Allele origin: germline. Observed: 1 variant allele, 1 heterozygote.

Clinical Genetics DNA and cytogenetics Diagnostics Lab, Erasmus MC, Erasmus Medical Center
Classification: Likely pathogenic. Review status: no assertion criteria provided. Collection method: clinical testing. Allele origin: germline. Affected: yes. Study: VKGL Data-share Consensus. Not counted in ClinVar's aggregate classification.

Joint Genome Diagnostic Labs from Nijmegen and Maastricht, Radboudumc and MUMC+
Classification: Pathogenic. Review status: no assertion criteria provided. Collection method: clinical testing. Allele origin: germline. Affected: yes. Study: VKGL Data-share Consensus. Not counted in ClinVar's aggregate classification.

Literature cited by the submitters: PubMed 14566705 (cited by 4 submitters); PubMed 21560189 (cited by 6 submitters); PubMed 33432707 (cited by Women's Health and Genetics/Laboratory Corporation of America, LabCorp); PubMed 27159321 (cited by 5 submitters); PubMed 15776425 (cited by 3 submitters); PubMed 18263758 (cited by 4 submitters); PubMed 22128017 (cited by Victorian Clinical Genetics Services, Murdoch Childrens Research Institute and Laboratory for Molecular Medicine, Mass General Brigham Personalized Medicine); PubMed 22430157 (cited by 3 submitters); PubMed 30266093 (cited by Victorian Clinical Genetics Services, Murdoch Childrens Research Institute and Laboratory for Molecular Medicine, Mass General Brigham Personalized Medicine).